The following is an entry in ClinVar:

ClinVar aggregate classification (germline): Conflicting classifications of pathogenicity. Review status: criteria provided, conflicting classifications (1 of 4 stars). 4 submissions from 4 submitters: Uncertain significance (2); Likely benign (1). 1 of the submissions does not count toward it. Last evaluated 2023-09-26.

Conditions:
CREBBP-related disorder. Also called: CREBBP-related condition; CREBBP-related disorders.
Inborn genetic diseases. Identifiers: MedGen C0950123, MeSH D030342.

Allele frequency attached by ClinVar (database versions not stated): gnomAD 0.00003; ExAC 0.00004; TOPMed 0.00005.
gnomAD v4.1: 29 of 1,614,098 alleles (0.0018%); highest among the groups gnomAD compares: African/African-American, 0.012%; no homozygotes.

Submissions (4):

Women's Health and Genetics/Laboratory Corporation of America, LabCorp
Classification: Uncertain significance. Last evaluated: 2023-09-26. Review status: criteria provided, single submitter. Criteria: LabCorp Variant Classification Summary - May 2015. Collection method: clinical testing. Allele origin: germline.
Comment: Variant summary: CREBBP c.743C>T (p.Pro248Leu) results in a non-conservative amino acid change in the encoded protein sequence. Five of five in-silico tools predict a damaging effect of the variant on protein function. The variant allele was found at a frequency of 2.8e-05 in 251274 control chromosomes. The available data on variant occurrences in the general population are insufficient to allow any conclusion about variant significance. To our knowledge, no occurrence of c.743C>T in individuals affected with Rubinstein-Taybi Syndrome and no experimental evidence demonstrating its impact on protein function have been reported. One submitter has cited clinical-significance assessments for this variant to ClinVar after 2014 and has classified the variant as likely benign. Based on the evidence outlined above, the variant was classified as uncertain significance.

CeGaT Center for Human Genetics Tuebingen
Classification: Uncertain significance. Last evaluated: 2022-09-01. Review status: criteria provided, single submitter. Criteria: CeGaT Center For Human Genetics Tuebingen Variant Classification Criteria Version 2. Collection method: clinical testing. Allele origin: germline. Affected: yes. Observed: 1 variant allele.
Comment: CREBBP: PM2:Supporting, PP2

Ambry Genetics
Classification: Likely benign for Inborn genetic diseases. Last evaluated: 2020-04-09. Review status: criteria provided, single submitter. Criteria: Ambry Variant Classification Scheme 2023. Collection method: clinical testing. Allele origin: germline.

PreventionGenetics, part of Exact Sciences
Classification: Uncertain significance for CREBBP-related condition. Last evaluated: 2024-05-01. Review status: no assertion criteria provided. Collection method: clinical testing. Allele origin: germline. Not counted in ClinVar's aggregate classification.
Comment: The CREBBP c.743C>T variant is predicted to result in the amino acid substitution p.Pro248Leu. To our knowledge, this variant has not been reported in the literature. This variant is reported in 0.016% of alleles in individuals of South Asian descent in gnomAD, which is likely too common for an undocumented disease-causing variant. Although we suspect that this variant may be benign, at this time, the clinical significance of this variant is uncertain due to the absence of conclusive functional and genetic evidence.

NM_004380.3(CREBBP):c.743C>T (p.Pro248Leu)

Gene: CREBBP (CREB binding lysine acetyltransferase; minus strand). Cytogenetic location: 16p13.3.
Variant type: single nucleotide variant.
Coding change: c.743C>T on transcript NM_004380.3 (MANE Select); coding-DNA position 743, C replaced by T.
Protein change: p.Pro248Leu; replaces proline 248 with leucine.
Molecular consequence: missense variant.
Genome position (GRCh38, 1-based): chr16:3,850,352, G>A on the plus strand (C>T on the coding strand, the complement: CREBBP is on the minus strand). VCF-style: chr16-3850352-G-A. GRCh37 (hg19) VCF-style: chr16-3900353-G-A.
Other names: c.743C>T, p.Pro248Leu (NM_001079846.1); short protein forms P248L.
Identifiers: ClinVar variation 1758924 (VCV001758924.27), dbSNP rs374499169, ClinGen allele CA7870621.